The following is an entry in ClinVar:

ClinVar aggregate classification (germline): Likely benign. Review status: criteria provided, multiple submitters, no conflicts (2 of 4 stars). 2 submissions from 2 submitters: Likely benign (2). Last evaluated 2024-10-10.

Conditions:
Hereditary diffuse gastric adenocarcinoma (HDGC). Also called: DIFFUSE GASTRIC AND LOBULAR BREAST CANCER SYNDROME. Identifiers: Orphanet 26106, MedGen C1708349, MONDO:0007648, OMIM 137215.

Allele frequency attached by ClinVar (database versions not stated): gnomAD exomes below 0.00001; TOPMed below 0.00001.
gnomAD v4.1: 1 of 1,614,144 alleles (0.000062%); highest among the groups gnomAD compares: Non-Finnish European, 0.000085%; no homozygotes.

Submissions (2):

Myriad Genetics, Inc.
Classification: Likely benign for Hereditary diffuse gastric adenocarcinoma. Last evaluated: 2024-10-10. Review status: criteria provided, single submitter. Criteria: Myriad Autosomal Dominant, Autosomal Recessive and X-Linked Classification Criteria (2023). Collection method: clinical testing. Allele origin: unknown.
Comment: This variant is considered likely benign. This variant is intronic and is not expected to impact mRNA splicing.

Labcorp Genetics (formerly Invitae), Labcorp
Classification: Likely benign. Last evaluated: 2022-01-12. Review status: criteria provided, single submitter. Criteria: Invitae Variant Classification Sherloc (09022015). Collection method: clinical testing. Allele origin: germline.

NM_001903.5(CTNNA1):c.859-9T>C

Gene: CTNNA1 (catenin alpha 1; plus strand). Cytogenetic location: 5q31.2.
Variant type: single nucleotide variant.
Coding change: c.859-9T>C on transcript NM_001903.5 (MANE Select); 9 bases into the intron before coding-DNA position 859, T replaced by C.
Molecular consequence: intron variant.
Genome position (GRCh38, 1-based): chr5:138,827,506, T>C. VCF-style: chr5-138827506-T-C. GRCh37 (hg19) VCF-style: chr5-138163195-T-C.
Other names: c.859-9T>C (NM_001323982.2, NM_001323984.2, NM_001290307.3 and 3 more transcripts); c.490-9T>C (NM_001290310.3); c.550-9T>C (NM_001290309.3).
Identifiers: ClinVar variation 1108357 (VCV001108357.10), dbSNP rs1760841101, ClinGen allele CA1586036889.